The following is an entry in ClinVar:

ClinVar aggregate classification (germline): Benign. Review status: criteria provided, single submitter (1 of 4 stars). 2 submissions from 2 submitters: Benign (1). 1 of the submissions does not count toward it.

Allele frequency attached by ClinVar (database versions not stated): 1000 Genomes Project 0.01657; 1000 Genomes Project 30x 0.01671; ESP Exome Variant Server 0.02891; TOPMed 0.03005; gnomAD 0.03300 and 0.03401; ExAC 0.03646; gnomAD exomes 0.03824 and 0.03925.

Submissions (2):

Breakthrough Genomics
Classification: Benign. Review status: criteria provided, single submitter. Criteria: ACMG Guidelines, 2015. Collection method: not provided. Allele origin: germline. Inheritance: Unknown mechanism. Affected: yes.

Genetic Services Laboratory, University of Chicago
Classification: Likely benign for AllHighlyPenetrant. Review status: no assertion criteria provided. Collection method: clinical testing. Allele origin: germline. Inheritance: Autosomal dominant inheritance. Not counted in ClinVar's aggregate classification.
Comment: Likely benign based on allele frequency in 1000 Genomes Project or ESP global frequency and its presence in a patient with a rare or unrelated disease phenotype. NOT Sanger confirmed.

NM_001385161.1(MR1):c.138G>A (p.Ser46=)

Gene: MR1 (major histocompatibility complex, class I-related; plus strand). Cytogenetic location: 1q25.3.
Variant type: single nucleotide variant.
Coding change: c.138G>A on transcript NM_001385161.1 (MANE Select); coding-DNA position 138, G replaced by A.
Protein change: p.Ser46=; no amino-acid change (serine 46 retained).
Molecular consequence: synonymous variant. On other transcripts: 5 prime UTR variant (1).
Genome position (GRCh38, 1-based): chr1:181,049,122, G>A. VCF-style: chr1-181049122-G-A. GRCh37 (hg19) VCF-style: chr1-181018258-G-A.
Other names: c.138G>A, p.Ser46= (NM_001194999.2, NM_001195000.2, NM_001195035.2 and 4 more transcripts); c.-76G>A (NM_001310213.2).
Identifiers: ClinVar variation 129621 (VCV000129621.7), dbSNP rs3863720, ClinGen allele CA214490.